The following is an entry in ClinVar:

ClinVar aggregate classification (germline): Uncertain significance. Review status: criteria provided, multiple submitters, no conflicts (2 of 4 stars). 2 submissions from 2 submitters: Uncertain significance (2). Last evaluated 2024-01-11.

Conditions:
Intellectual developmental disorder, autosomal dominant 1. Also called: Intellectual disability, autosomal dominant 1; MBD5 Haploinsufficiency. Identifiers: Orphanet 228402, MedGen C1969562, MONDO:0007974, OMIM 156200.

gnomAD v4.1: 1 of 1,613,898 alleles (0.000062%); highest among the groups gnomAD compares: Admixed American, 0.0017%; no homozygotes.

Submissions (2):

Labcorp Genetics (formerly Invitae), Labcorp
Classification: Uncertain significance for Intellectual developmental disorder, autosomal dominant 1. Last evaluated: 2024-01-11. Review status: criteria provided, single submitter. Criteria: Invitae Variant Classification Sherloc (09022015). Collection method: clinical testing. Allele origin: germline.
Comment: This sequence change replaces cysteine, which is neutral and slightly polar, with phenylalanine, which is neutral and non-polar, at codon 723 of the MBD5 protein (p.Cys723Phe). This variant is present in population databases (no rsID available, gnomAD 0.003%). This variant has not been reported in the literature in individuals affected with MBD5-related conditions. ClinVar contains an entry for this variant (Variation ID: 1803633). Advanced modeling of protein sequence and biophysical properties (such as structural, functional, and spatial information, amino acid conservation, physicochemical variation, residue mobility, and thermodynamic stability) performed at Invitae indicates that this missense variant is not expected to disrupt MBD5 protein function with a negative predictive value of 80%. In summary, the available evidence is currently insufficient to determine the role of this variant in disease. Therefore, it has been classified as a Variant of Uncertain Significance.

GeneDx
Classification: Uncertain significance. Last evaluated: 2022-06-09. Review status: criteria provided, single submitter. Criteria: GeneDx Variant Classification Process June 2021. Collection method: clinical testing. Allele origin: germline. Affected: yes.
Comment: Not observed at significant frequency in large population cohorts (gnomAD); In silico analysis supports that this missense variant does not alter protein structure/function; Has not been previously published as pathogenic or benign to our knowledge

NM_001378120.1(MBD5):c.2168G>T (p.Cys723Phe)

Gene: MBD5 (methyl-CpG binding domain protein 5; plus strand). Cytogenetic location: 2q23.1.
Variant type: single nucleotide variant.
Coding change: c.2168G>T on transcript NM_001378120.1 (MANE Select); coding-DNA position 2168, G replaced by T.
Protein change: p.Cys723Phe; replaces cysteine 723 with phenylalanine.
Molecular consequence: missense variant.
Genome position (GRCh38, 1-based): chr2:148,470,111, G>T. VCF-style: chr2-148470111-G-T. GRCh37 (hg19) VCF-style: chr2-149227680-G-T.
Other names: c.2168G>T, p.Cys723Phe (NM_018328.5); short protein forms C723F.
Identifiers: ClinVar variation 1803633 (VCV001803633.4), dbSNP rs1421969677, ClinGen allele CA348721269.
Genomic context (GRCh38, chr2:148,470,111, plus strand): 5'-AGTTACTACAGTCTATGAGTTGTCAAAGCTCTCACTTGAGTAGCAATAGTACCCCGGGTT[G>T]TGGGGCCTCAAATACTGCTTTGCCTTGCTCTGCTAACCAGCTGCATTTTACAGATCCCAG-3'
Protein context (NP_001365049.1, residues 713-733): SHLSSNSTPG[Cys723Phe]GASNTALPCS